The following is an entry in ClinVar:

ClinVar aggregate classification (germline): Conflicting classifications of pathogenicity. Review status: criteria provided, conflicting classifications (1 of 4 stars). 5 submissions from 5 submitters: Uncertain significance (3); Likely benign (1). 1 of the submissions does not count toward it. Last evaluated 2025-12-09.

Conditions:
Mitochondrial complex I deficiency, nuclear type 5. Also called: Mitochondrial complex 1 deficiency, nuclear type 5. Identifiers: MedGen C4748754, MONDO:0032610, OMIM 618226.
Mitochondrial complex I deficiency. Also called: NADH:Q(1) OXIDOREDUCTASE DEFICIENCY. Identifiers: Orphanet 2609, MedGen C1838979, MeSH C537475, MONDO:0100133.

Allele frequency attached by ClinVar (database versions not stated): gnomAD 0.00016 and 0.00019; gnomAD exomes 0.00017; ExAC 0.00019; TOPMed 0.00019; ESP Exome Variant Server 0.00031; 1000 Genomes Project 0.00040; 1000 Genomes Project 30x 0.00047.
gnomAD v4.1: 224 of 1,614,004 alleles (0.014%); highest among the groups gnomAD compares: Admixed American, 0.043%; 1 homozygote.

Submissions (5):

Labcorp Genetics (formerly Invitae), Labcorp
Classification: Likely benign. Last evaluated: 2025-12-09. Review status: criteria provided, single submitter. Criteria: Invitae Variant Classification Sherloc (09022015). Collection method: clinical testing. Allele origin: germline.

GeneDx
Classification: Uncertain significance. Last evaluated: 2025-02-10. Review status: criteria provided, single submitter. Criteria: GeneDx Variant Classification Process June 2021. Collection method: clinical testing. Allele origin: germline.
Comment: In silico analysis supports that this missense variant does not alter protein structure/function; Has not been previously published as pathogenic or benign to our knowledge

Blueprint Genetics
Classification: Uncertain significance. Last evaluated: 2023-10-25. Review status: criteria provided, single submitter. Criteria: ACMG Guidelines, 2015. Collection method: clinical testing. Allele origin: germline.

Fulgent Genetics
Classification: Uncertain significance for Mitochondrial complex I deficiency, nuclear type 5. Last evaluated: 2022-05-23. Review status: criteria provided, single submitter. Criteria: ACMG Guidelines, 2015. Collection method: clinical testing. Allele origin: unknown.

Division of Human Genetics, Children's Hospital of Philadelphia
Classification: Uncertain significance for Mitochondrial complex I deficiency, nuclear type 1. Last evaluated: 2016-06-23. Review status: no assertion criteria provided. Collection method: research. Allele origin: germline. Affected: yes. Study: CSER-PediSeq. Not counted in ClinVar's aggregate classification.

NM_005006.7(NDUFS1):c.908C>G (p.Thr303Ser)

Gene: NDUFS1 (NADH:ubiquinone oxidoreductase core subunit S1; minus strand). Cytogenetic location: 2q33.3.
Variant type: single nucleotide variant.
Coding change: c.908C>G on transcript NM_005006.7 (MANE Select); coding-DNA position 908, C replaced by G.
Protein change: p.Thr303Ser; replaces threonine 303 with serine.
Molecular consequence: missense variant.
Genome position (GRCh38, 1-based): chr2:206,144,097, G>C on the plus strand (C>G on the coding strand, the complement: NDUFS1 is on the minus strand). VCF-style: chr2-206144097-G-C. GRCh37 (hg19) VCF-style: chr2-207008821-G-C.
Other names: c.800C>G, p.Thr267Ser (NM_001199981.2); c.575C>G, p.Thr192Ser (NM_001199982.2); c.737C>G, p.Thr246Ser (NM_001199983.2); c.950C>G, p.Thr317Ser (NM_001199984.2); c.908C>G (NM_005006.5); short protein forms T303S, T192S, T246S, T267S, T317S.
Identifiers: ClinVar variation 417877 (VCV000417877.9), dbSNP rs75666426, ClinGen allele CA2070622.